The following is an entry in ClinVar:

ClinVar aggregate classification (germline): Likely benign. Review status: criteria provided, multiple submitters, no conflicts (2 of 4 stars). 3 submissions from 3 submitters: Likely benign (2). 1 of the submissions does not count toward it. Last evaluated 2025-07-30.

Conditions:
CREB3L1-related disorder. Also called: CREB3L1-related condition.

Allele frequency attached by ClinVar (database versions not stated): gnomAD exomes 0.00002 and 0.00003; ExAC 0.00003; gnomAD 0.00015 and 0.00019; TOPMed 0.00018.
gnomAD v4.1: 50 of 1,611,868 alleles (0.0031%); highest among the groups gnomAD compares: African/African-American, 0.06%; no homozygotes.

Submissions (3):

Labcorp Genetics (formerly Invitae), Labcorp
Classification: Likely benign. Last evaluated: 2025-07-30. Review status: criteria provided, single submitter. Criteria: Invitae Variant Classification Sherloc (09022015). Collection method: clinical testing. Allele origin: germline.

Blueprint Genetics
Classification: Likely benign. Last evaluated: 2024-03-11. Review status: criteria provided, single submitter. Criteria: ACMG Guidelines, 2015. Collection method: clinical testing. Allele origin: germline.

PreventionGenetics, part of Exact Sciences
Classification: Likely benign for CREB3L1-related condition. Last evaluated: 2019-02-19. Review status: no assertion criteria provided. Collection method: clinical testing. Allele origin: germline. Not counted in ClinVar's aggregate classification.
Comment: This variant is classified as likely benign based on ACMG/AMP sequence variant interpretation guidelines (Richards et al. 2015 PMID: 25741868, with internal and published modifications).

NM_052854.4(CREB3L1):c.918G>A (p.Glu306=)

Gene: CREB3L1 (cAMP responsive element binding protein 3 like 1; plus strand). Cytogenetic location: 11p11.2.
Variant type: single nucleotide variant.
Coding change: c.918G>A on transcript NM_052854.4 (MANE Select); coding-DNA position 918, G replaced by A.
Protein change: p.Glu306=; no amino-acid change (glutamic acid 306 retained).
Molecular consequence: synonymous variant.
Genome position (GRCh38, 1-based): chr11:46,312,626, G>A. VCF-style: chr11-46312626-G-A. GRCh37 (hg19) VCF-style: chr11-46334177-G-A.
Other names: c.918G>A (NM_052854.3).
Identifiers: ClinVar variation 1595308 (VCV001595308.11), dbSNP rs747102274, ClinGen allele CA5961722.